The following is an entry in ClinVar:

ClinVar aggregate classification (germline): Uncertain significance (1 of 4 stars; one submission).

Submission:

Greenwood Genetic Center Diagnostic Laboratories, Greenwood Genetic Center
Classification: Uncertain significance. Last evaluated: 2023-08-31. Review status: criteria provided, single submitter. Criteria: ACMG Guidelines, 2015. Collection method: clinical testing. Allele origin: germline. Affected: yes.
Comment: PM2

NM_001136035.4(TRMT1):c.235G>A (p.Glu79Lys)

Gene: TRMT1 (tRNA methyltransferase 1; minus strand). Cytogenetic location: 19p13.13.
Variant type: single nucleotide variant.
Coding change: c.235G>A on transcript NM_001136035.4 (MANE Select); coding-DNA position 235, G replaced by A.
Protein change: p.Glu79Lys; replaces glutamic acid 79 with lysine.
Molecular consequence: missense variant. On other transcripts: 5 prime UTR variant (1).
Genome position (GRCh38, 1-based): chr19:13,116,165, C>T on the plus strand (G>A on the coding strand, the complement: TRMT1 is on the minus strand). VCF-style: chr19-13116165-C-T. GRCh37 (hg19) VCF-style: chr19-13226979-C-T.
Other names: c.235G>A, p.Glu79Lys (NM_001142554.3, NM_001351760.2, NM_017722.5); c.127G>A, p.Glu43Lys (NM_001351761.2); c.-629G>A (NM_001351762.2); short protein forms E43K, E79K.
Identifiers: ClinVar variation 2626911 (VCV002626911.1), dbSNP rs2513113703, ClinGen allele CA404320637.